The following is an entry in ClinVar:

NM_000393.5(COL5A2):c.3656C>T (p.Pro1219Leu)

Gene: COL5A2 (collagen type V alpha 2 chain; minus strand). Cytogenetic location: 2q32.2.
Variant type: single nucleotide variant.
Coding change: c.3656C>T on transcript NM_000393.5 (MANE Select); coding-DNA position 3656, C replaced by T.
Protein change: p.Pro1219Leu; replaces proline 1219 with leucine.
Molecular consequence: missense variant.
Genome position (GRCh38, 1-based): chr2:189,039,541, G>A on the plus strand (C>T on the coding strand, the complement: COL5A2 is on the minus strand). VCF-style: chr2-189039541-G-A. GRCh37 (hg19) VCF-style: chr2-189904267-G-A.
Other names: short protein forms P1219L.
Identifiers: ClinVar variation 931040 (VCV000931040.3), dbSNP rs1685515304, ClinGen allele CA349858094.

ClinVar aggregate classification (germline): Uncertain significance (1 of 4 stars; one submission).

Conditions:
Ehlers-Danlos syndrome, classic type, 2 (EDSCL2). Also called: Ehlers-Danlos syndrome, type 2; Ehlers-Danlos syndrome type 2 (formerly); Ehlers-Danlos Syndrome, Classic Type, COL5A2-Related. Identifiers: Orphanet 287, Orphanet 90318, MedGen C0268336, MONDO:0019568, OMIM 130010.

Allele frequency attached by ClinVar (database versions not stated): TOPMed below 0.00001.

Submission:

Centre for Mendelian Genomics, University Medical Centre Ljubljana
Classification: Uncertain significance for Ehlers-Danlos syndrome, classic type, 2. Last evaluated: 2019-02-18. Review status: criteria provided, single submitter. Criteria: ACMG Guidelines, 2015. Collection method: clinical testing. Allele origin: unknown. Affected: yes.
Comment: This variant was classified as: Uncertain significance. The available evidence favors the pathogenic nature of this variant, however the currently available data is insufficient to conclusively support its pathogenic nature. Thus this variant is classified as Uncertain significance - favor pathogenic. The following ACMG criteria were applied in classifying this variant: PM2.